The following is an entry in ClinVar:

ClinVar aggregate classification (germline): Uncertain significance (1 of 4 stars; one submission).

Allele frequency attached by ClinVar (database versions not stated): TOPMed below 0.00001.
gnomAD v4.1: 2 of 1,612,052 alleles (0.00012%); highest among the groups gnomAD compares: Non-Finnish European, 0.00017%; no homozygotes.

Submission:

GeneDx
Classification: Uncertain significance. Last evaluated: 2019-08-12. Review status: criteria provided, single submitter. Criteria: GeneDx Variant Classification Process June 2021. Collection method: clinical testing. Allele origin: germline. Affected: yes.
Comment: Not observed in large population cohorts (Lek et al., 2016); In silico analysis, which includes protein predictors and evolutionary conservation, supports a deleterious effect; Has not been previously published as pathogenic or benign to our knowledge

NM_020937.4(FANCM):c.1884G>A (p.Met628Ile)

Gene: FANCM (FA complementation group M; plus strand). Cytogenetic location: 14q21.2.
Variant type: single nucleotide variant.
Coding change: c.1884G>A on transcript NM_020937.4 (MANE Select); coding-DNA position 1884, G replaced by A.
Protein change: p.Met628Ile; replaces methionine 628 with isoleucine.
Molecular consequence: missense variant.
Genome position (GRCh38, 1-based): chr14:45,167,045, G>A. VCF-style: chr14-45167045-G-A. GRCh37 (hg19) VCF-style: chr14-45636248-G-A.
Other names: c.1806G>A, p.Met602Ile (NM_001308133.2); c.1884G>A, p.Met628Ile (NM_001308134.2); short protein forms M602I, M628I.
Identifiers: ClinVar variation 1307594 (VCV001307594.2), dbSNP rs1888029745, ClinGen allele CA389594982.
Genomic context (GRCh38, chr14:45,167,045, plus strand): 5'-ATATAAAGCTATTTCAAGTAACAGGCAGGTCCTTCATTTTTACCAAAGAAGTCCACGAAT[G>A]GTTCCTGATGGAATCAACCCAAAATTACACAAAATGTTCATCACACATGGTGTCTATGAA-3'
Protein context (NP_065988.1, residues 618-638): VLHFYQRSPR[Met628Ile]VPDGINPKLH